The following is an entry in ClinVar:

ClinVar aggregate classification (germline): Uncertain significance (1 of 4 stars; one submission).

Conditions:
Alpha thalassemia-X-linked intellectual disability syndrome (ATRX). Also called: X-linked alpha-thalassemia-mental retardation syndrome; ALPHA-THALASSEMIA/IMPAIRED INTELLECTUAL DEVELOPMENT SYNDROME, X-LINKED; ALPHA-THALASSEMIA/MENTAL RETARDATION SYNDROME, X-LINKED; ATR, NONDELETION TYPE; ATR-X syndrome; Alpha thalassemia mental retardation syndrome, nondeletion type, X-linked. Identifiers: Orphanet 847, MedGen C1845055, MONDO:0010519, OMIM 301040.

gnomAD v4.1: 1 of 1,211,602 alleles (0.000083%); highest among the groups gnomAD compares: Non-Finnish European, 0.00011%; no homozygotes.

Submission:

Labcorp Genetics (formerly Invitae), Labcorp
Classification: Uncertain significance for Alpha thalassemia-X-linked intellectual disability syndrome. Last evaluated: 2022-03-19. Review status: criteria provided, single submitter. Criteria: Invitae Variant Classification Sherloc (09022015). Collection method: clinical testing. Allele origin: germline.
Comment: This sequence change replaces methionine, which is neutral and non-polar, with threonine, which is neutral and polar, at codon 2456 of the ATRX protein (p.Met2456Thr). This variant is not present in population databases (gnomAD no frequency). This variant has not been reported in the literature in individuals affected with ATRX-related conditions. Advanced modeling of protein sequence and biophysical properties (such as structural, functional, and spatial information, amino acid conservation, physicochemical variation, residue mobility, and thermodynamic stability) performed at Invitae indicates that this missense variant is not expected to disrupt ATRX protein function. In summary, the available evidence is currently insufficient to determine the role of this variant in disease. Therefore, it has been classified as a Variant of Uncertain Significance.

NM_000489.6(ATRX):c.7367T>C (p.Met2456Thr)

Gene: ATRX (ATRX chromatin remodeler; minus strand). Cytogenetic location: Xq21.1.
Variant type: single nucleotide variant.
Coding change: c.7367T>C on transcript NM_000489.6 (MANE Select); coding-DNA position 7367, T replaced by C.
Protein change: p.Met2456Thr; replaces methionine 2456 with threonine.
Molecular consequence: missense variant.
Genome position (GRCh38, 1-based): chrX:77,508,463, A>G on the plus strand (T>C on the coding strand, the complement: ATRX is on the minus strand). VCF-style: chrX-77508463-A-G. GRCh37 (hg19) VCF-style: chrX-76763941-A-G.
Other names: c.7253T>C, p.Met2418Thr (NM_138270.5); short protein forms M2456T, M2418T.
Identifiers: ClinVar variation 1477178 (VCV001477178.8), dbSNP rs2147648215, ClinGen allele CA413704101.
Genomic context (GRCh38, chrX:77,508,463, plus strand): 5'-GGTGCACGCTGTAATGGTGGTGGCTGCATACCACCAGCCACTGGCTGATACATTCCTCTC[A>G]TATCAATCTGCTGGTAGTTAGAAGGATTCATGATCAAATTTGGGGGCTTTGGCATCATGA-3'
Protein context (NP_000480.3, residues 2446-2466): MNPSNYQQID[Met2456Thr]RGMYQPVAGG